The following is an entry in ClinVar:

ClinVar aggregate classification (germline): Uncertain significance (1 of 4 stars; one submission).

Submission:

GeneDx
Classification: Uncertain significance. Last evaluated: 2025-07-10. Review status: criteria provided, single submitter. Criteria: GeneDx Variant Classification Process June 2021. Collection method: clinical testing. Allele origin: germline. Affected: yes.
Comment: Not observed at significant frequency in large population cohorts (gnomAD); In silico analysis supports that this missense variant has a deleterious effect on protein structure/function; Has not been previously published as pathogenic or benign to our knowledge

NM_001372076.1(PAX9):c.314G>C (p.Arg105Pro)

Gene: PAX9 (paired box 9; plus strand). Cytogenetic location: 14q13.3.
Variant type: single nucleotide variant.
Coding change: c.314G>C on transcript NM_001372076.1 (MANE Select); coding-DNA position 314, G replaced by C.
Protein change: p.Arg105Pro; replaces arginine 105 with proline.
Molecular consequence: missense variant.
Genome position (GRCh38, 1-based): chr14:36,663,206, G>C. VCF-style: chr14-36663206-G-C. GRCh37 (hg19) VCF-style: chr14-37132411-G-C.
Other names: c.314G>C, p.Arg105Pro (NM_006194.4); short protein forms R105P.
Identifiers: ClinVar variation 4685026 (VCV004685026.1).